The following is an entry in ClinVar:

ClinVar aggregate classification (germline): Likely benign (1 of 4 stars; one submission).

Submission:

CeGaT Center for Human Genetics Tuebingen
Classification: Likely benign. Last evaluated: 2023-06-01. Review status: criteria provided, single submitter. Criteria: CeGaT Center For Human Genetics Tuebingen Variant Classification Criteria Version 2. Collection method: clinical testing. Allele origin: germline. Affected: yes. Observed: 1 variant allele.
Comment: TBC1D3B: BP4

NM_001001417.7(TBC1D3B):c.1425A>G (p.Arg475=)

Gene: TBC1D3B (TBC1 domain family member 3B; minus strand). Cytogenetic location: 17q12.
Variant type: single nucleotide variant.
Coding change: c.1425A>G on transcript NM_001001417.7 (MANE Select); coding-DNA position 1425, A replaced by G.
Protein change: p.Arg475=; no amino-acid change (arginine 475 retained).
Molecular consequence: synonymous variant.
Genome position (GRCh38, 1-based): chr17:36,166,220, T>C on the plus strand (A>G on the coding strand, the complement: TBC1D3B is on the minus strand). VCF-style: chr17-36166220-T-C. GRCh37 (hg19) VCF-style: chr17-34493600-T-C.
Identifiers: ClinVar variation 2647680 (VCV002647680.24), dbSNP rs1336124010, ClinGen allele CA728453285.